The following is an entry in ClinVar:

NM_153704.6(TMEM67):c.783C>T (p.Asp261=)

Gene: TMEM67 (transmembrane protein 67; plus strand). Cytogenetic location: 8q22.1.
Variant type: single nucleotide variant.
Coding change: c.783C>T on transcript NM_153704.6 (MANE Select); coding-DNA position 783, C replaced by T.
Protein change: p.Asp261=; no amino-acid change (aspartic acid 261 retained).
Molecular consequence: synonymous variant. On other transcripts: non-coding transcript variant (1).
Genome position (GRCh38, 1-based): chr8:93,780,661, C>T. VCF-style: chr8-93780661-C-T. GRCh37 (hg19) VCF-style: chr8-94792889-C-T.
Other names: c.540C>T, p.Asp180= (NM_001142301.1); c.783C>T (NM_153704.5).
Identifiers: ClinVar variation 1645305 (VCV001645305.10), dbSNP rs780748968, ClinGen allele CA4807771.
Genomic context (GRCh38, chr8:93,780,661, plus strand): 5'-CAATCTAACATCTTGTCAAGCTCTTGGAAATATGTGTGTGATGAACATGAATTCTTACGA[C>T]TTTGCCACATTTGATGCATGTGGACTATTTCAGTTTATCTTTGAAAATACTGCTGGACTG-3'
Protein context (NP_714915.3, residues 251-271): NMCVMNMNSY[Asp261=]FATFDACGLF

ClinVar aggregate classification (germline): Likely benign. Review status: criteria provided, multiple submitters, no conflicts (2 of 4 stars). 3 submissions from 3 submitters: Likely benign (3). Last evaluated 2026-04-15.

Conditions:
Joubert syndrome. Also called: JOUBERT-BOLTSHAUSER SYNDROME; Familial aplasia of the vermis. Identifiers: Orphanet 475, MedGen C5979921, MONDO:0018772.
Meckel-Gruber syndrome. Also called: GRUBER SYNDROME; DYSENCEPHALIA SPLANCHNOCYSTICA; Dysencephalia splachnocystica. Identifiers: Orphanet 564, MedGen C0265215, MONDO:0018921.
TMEM67-related disorder. Also called: TMEM67-related disorders; TMEM67-related condition. Identifiers: MedGen CN239423.

Allele frequency attached by ClinVar (database versions not stated): gnomAD exomes below 0.00001 and 0.00001; ExAC 0.00001; gnomAD 0.00001; TOPMed 0.00002.
gnomAD v4.1: 4 of 1,613,942 alleles (0.00025%); highest among the groups gnomAD compares: Admixed American, 0.005%; no homozygotes.

Submissions (3):

PreventionGenetics, part of Exact Sciences
Classification: Likely benign for TMEM67-related condition. Last evaluated: 2026-04-15. Review status: criteria provided, single submitter. Criteria: ACMG Guidelines, 2015. Collection method: clinical testing. Allele origin: germline.
Comment: This variant is classified as likely benign based on ACMG/AMP sequence variant interpretation guidelines (Richards et al. 2015 PMID: 25741868, with internal and published modifications).

Labcorp Genetics (formerly Invitae), Labcorp
Classification: Likely benign for Joubert syndrome; Meckel-Gruber syndrome. Last evaluated: 2024-08-28. Review status: criteria provided, single submitter. Criteria: Invitae Variant Classification Sherloc (09022015). Collection method: clinical testing. Allele origin: germline.

Blueprint Genetics
Classification: Likely benign. Last evaluated: 2021-09-23. Review status: criteria provided, single submitter. Criteria: ACMG Guidelines, 2015. Collection method: clinical testing. Allele origin: germline.